The following is an entry in ClinVar:

ClinVar aggregate classification (germline): Uncertain significance. Review status: criteria provided, multiple submitters, no conflicts (2 of 4 stars). 3 submissions from 3 submitters: Uncertain significance (3). Last evaluated 2026-01-02.

Conditions:
DST-related disorder. Also called: DST-related condition; DST-related disorders.
Epidermolysis bullosa simplex 3, localized or generalized intermediate, with BP230 deficiency (EBS3). Also called: Epidermolysis bullosa simplex, autosomal recessive 2; Epidermolysis bullosa simplex due to BP230 deficiency. Identifiers: Orphanet 412181, MedGen C3809470, MONDO:0014180, OMIM 615425.
Hereditary sensory and autonomic neuropathy type 6. Also called: HSAN VI; Neuropathy, hereditary sensory and autonomic, type VI. Identifiers: Orphanet 314381, MedGen C3539003, MONDO:0013839, OMIM 614653.

Allele frequency attached by ClinVar (database versions not stated): gnomAD exomes 0.00002 and 0.00008; ExAC 0.00003; gnomAD 0.00004; TOPMed 0.00004; ESP Exome Variant Server 0.00008.
gnomAD v4.1: 126 of 1,611,274 alleles (0.0078%); highest among the groups gnomAD compares: Non-Finnish European, 0.01%; no homozygotes.

Submissions (3):

PreventionGenetics, part of Exact Sciences
Classification: Uncertain significance for DST-related condition. Last evaluated: 2026-01-02. Review status: criteria provided, single submitter. Criteria: ACMG Guidelines, 2015. Collection method: clinical testing. Allele origin: germline.
Comment: The DST c.7555G>C variant is predicted to result in the amino acid substitution p.Glu2519Gln. To our knowledge, this variant has not been reported in the literature. This variant is reported in 0.0055% of alleles in individuals of European (Non-Finnish) descent in gnomAD. At this time, the clinical significance of this variant is uncertain due to the absence of conclusive functional and genetic evidence.

Blueprint Genetics
Classification: Uncertain significance. Last evaluated: 2024-02-14. Review status: criteria provided, single submitter. Criteria: ACMG Guidelines, 2015. Collection method: clinical testing. Allele origin: germline.

Labcorp Genetics (formerly Invitae), Labcorp
Classification: Uncertain significance for Epidermolysis bullosa simplex 3, localized or generalized intermediate, with BP230 deficiency; Hereditary sensory and autonomic neuropathy type 6. Last evaluated: 2022-10-13. Review status: criteria provided, single submitter. Criteria: Invitae Variant Classification Sherloc (09022015). Collection method: clinical testing. Allele origin: germline.
Comment: The DST gene has multiple clinically relevant transcripts. This variant occurs in alternate transcript NM_015548.4, and corresponds to NM_001723.5:c.*46955G>C in the primary transcript. This sequence change replaces glutamic acid, which is acidic and polar, with glutamine, which is neutral and polar, at codon 2015 of the DST protein (p.Glu2015Gln). This variant is present in population databases (rs377669664, gnomAD 0.006%). This variant has not been reported in the literature in individuals affected with DST-related conditions. ClinVar contains an entry for this variant (Variation ID: 967053). Experimental studies and prediction algorithms are not available or were not evaluated, and the functional significance of this variant is currently unknown. In summary, the available evidence is currently insufficient to determine the role of this variant in disease. Therefore, it has been classified as a Variant of Uncertain Significance.

NM_001374736.1(DST):c.13912G>C (p.Glu4638Gln)

Gene: DST (dystonin; minus strand). Cytogenetic location: 6p12.1.
Variant type: single nucleotide variant.
Coding change: c.13912G>C on transcript NM_001374736.1 (MANE Select); coding-DNA position 13912, G replaced by C.
Protein change: p.Glu4638Gln; replaces glutamic acid 4638 with glutamine.
Molecular consequence: missense variant.
Genome position (GRCh38, 1-based): chr6:56,568,562, C>G on the plus strand (G>C on the coding strand, the complement: DST is on the minus strand). VCF-style: chr6-56568562-C-G. GRCh37 (hg19) VCF-style: chr6-56433360-C-G.
Other names: c.7555G>C (NM_001144769.2); c.7555G>C, p.Glu2519Gln (NM_001144769.5); c.7141G>C, p.Glu2381Gln (NM_001144770.2); c.13912G>C, p.Glu4638Gln (NM_001374722.1); c.13279G>C, p.Glu4427Gln (NM_001374729.1); c.7021G>C, p.Glu2341Gln (NM_001374730.1, NM_183380.4); c.13939G>C, p.Glu4647Gln (NM_001374734.1); c.6043G>C, p.Glu2015Gln (NM_015548.5); short protein forms E4427Q, E4638Q, E2015Q, E4647Q, E2341Q, E2381Q, E2519Q.
Identifiers: ClinVar variation 967053 (VCV000967053.7), dbSNP rs377669664, ClinGen allele CA3868140.